The following is an entry in ClinVar:

ClinVar aggregate classification (germline): Likely benign (1 of 4 stars; one submission).

Allele frequency attached by ClinVar (database versions not stated): TOPMed below 0.00001.
gnomAD v4.1: 10 of 1,614,158 alleles (0.00062%); highest among the groups gnomAD compares: Middle Eastern, 0.033%; no homozygotes.

Submission:

CeGaT Center for Human Genetics Tuebingen
Classification: Likely benign. Last evaluated: 2022-05-01. Review status: criteria provided, single submitter. Criteria: CeGaT Center For Human Genetics Tuebingen Variant Classification Criteria Version 2. Collection method: clinical testing. Allele origin: germline. Affected: yes. Observed: 1 variant allele.
Comment: SPEN: BP4

NM_015001.3(SPEN):c.3794G>C (p.Arg1265Pro)

Gene: SPEN (spen family transcriptional repressor; plus strand). Cytogenetic location: 1p36.13.
Variant type: single nucleotide variant.
Coding change: c.3794G>C on transcript NM_015001.3 (MANE Select); coding-DNA position 3794, G replaced by C.
Protein change: p.Arg1265Pro; replaces arginine 1265 with proline.
Molecular consequence: missense variant.
Genome position (GRCh38, 1-based): chr1:15,930,034, G>C. VCF-style: chr1-15930034-G-C. GRCh37 (hg19) VCF-style: chr1-16256529-G-C.
Other names: short protein forms R1265P.
Identifiers: ClinVar variation 2638315 (VCV002638315.24), dbSNP rs749587229, ClinGen allele CA619482.
Genomic context (GRCh38, chr1:15,930,034, plus strand): 5'-ACAGAAGTTCACGCCAAATCAGCGAAGATTCTGAAAGGACTGGTGGTTCTCCCAGTGTCC[G>C]ACATGGTTCCTTCCATGAAGATGAGGATCCCATAGGCTCCCCTAGGCTACTGTCAGTAAA-3'
Protein context (NP_055816.2, residues 1255-1275): SERTGGSPSV[Arg1265Pro]HGSFHEDEDP